The following continues an entry in ClinVar:

NM_000179.3(MSH6):c.1729C>T (p.Arg577Cys)

Gene: MSH6. ClinVar aggregate classification (germline): Conflicting classifications of pathogenicity. Uncertain significance (14); Benign (1); Likely benign (3).

Submissions 13 to 19 of 19:

Women's Health and Genetics/Laboratory Corporation of America, LabCorp
Classification: Uncertain significance. Last evaluated: 2024-02-08. Review status: criteria provided, single submitter. Criteria: LabCorp Variant Classification Summary - May 2015. Collection method: clinical testing. Allele origin: germline.
Comment: Variant summary: MSH6 c.1729C>T (p.Arg577Cys) results in a non-conservative amino acid change located in the DNA mismatch repair protein MutS, connector domain (IPR007860) of the encoded protein sequence. Three of five in-silico tools predict a damaging effect of the variant on protein function. The variant allele was found at a frequency of 2.8e-05 in 250210 control chromosomes. The available data on variant occurrences in the general population are insufficient to allow any conclusion about variant significance. c.1729C>T has been reported in the literature in an individual affected with MSI stable colorectal cancer and in an individual with colorectal cancer who met at least one of the revised Bethesda guidelines, as well as in individuals affected with other cancers within the Lynch Syndrome tumor spectrum, without strong evidence for causality (e.g.Hampel_2008, Loizidou_2014, Paulo_2018, Barbosa_2020). In a large study evaluating breast cancer cases and controls in the Breast Cancer Association Consortium (BCAC), the variant was reported in 9/60466 cases, and in 4/53461 controls (Dorling_2021 through LOVD). These report(s) do not provide unequivocal conclusions about association of the variant with Hereditary Nonpolyposis Colorectal Cancer. To our knowledge, no experimental evidence demonstrating an impact on protein function has been reported. The following publications have been ascertained in the context of this evaluation (PMID: 32658311, 33008098, 18809606, 25133505, 29659569, 33471991). ClinVar contains an entry for this variant (Variation ID: 89218). Based on the evidence outlined above, the variant was classified as uncertain significance.

Department of Pathology and Laboratory Medicine, Sinai Health System
Classification: Uncertain significance for Lynch syndrome. Last evaluated: 2024-02-05. Review status: criteria provided, single submitter. Criteria: ACMG Guidelines, 2015. Collection method: clinical testing. Allele origin: germline. Affected: yes.

Ambry Genetics
Classification: Likely benign for Hereditary cancer-predisposing syndrome. Last evaluated: 2023-09-01. Review status: criteria provided, single submitter. Criteria: Ambry Variant Classification Scheme 2023. Collection method: clinical testing. Allele origin: germline.

Institute for Clinical Genetics, University Hospital TU Dresden, University Hospital TU Dresden
Classification: Uncertain significance. Last evaluated: 2021-11-03. Review status: criteria provided, single submitter. Criteria: ACMG Guidelines, 2015. Collection method: clinical testing. Allele origin: germline.

Sema4
Classification: Uncertain significance for Hereditary cancer-predisposing syndrome. Last evaluated: 2021-11-01. Review status: criteria provided, single submitter. Criteria: Sema4 Curation Guidelines. Collection method: curation. Allele origin: germline.
Comment: The MSH6 c.1729C>T (p.R577C) has been reported in heterozygosity in at least two individuals with colorectal cancer (PMID: 25133505,18809606). It was also identified in at least one individual with prostate cancer (PMID: 29659569), and in at least one individual with ovarian cancer (PMID: 33008098). It has been reported in a large case-control study of breast cancer in 9/60466 cases and 4/53461 controls (PMID: 33471991). This variant was observed in 10/281608 chromosomes in the Genome Aggregation Database (PMID: 32461654). The variant has been reported in ClinVar (Variation ID: 89218). In silico tools suggest the impact of the variant on protein function is deleterious, though no microsatellite instability or MSH6 protein deficiency were seen in patients carrying this variant (PMID: 29659569, 33008098). The evidence is insufficient to meet ACMG/AMP criteria for classifying the variant as benign or pathogenic. Thus, the clinical significance of this variant is currently uncertain.

Quest Diagnostics Nichols Institute San Juan Capistrano
Classification: Uncertain significance. Last evaluated: 2017-09-25. Review status: criteria provided, single submitter. Criteria: Quest Diagnostics criteria. Collection method: clinical testing. Allele origin: germline.

Counsyl
Classification: Uncertain significance for Lynch syndrome 5. Last evaluated: 2015-12-08. Review status: no assertion criteria provided. Collection method: clinical testing. Allele origin: unknown. Not counted in ClinVar's aggregate classification.

Literature cited by the submitters: PubMed 27363726 (cited by Myriad Genetics, Inc.); PubMed 18809606 (cited by 6 submitters); PubMed 25133505 (cited by 7 submitters); PubMed 29659569 (cited by 6 submitters); PubMed 32980694 (cited by Color Diagnostics, LLC DBA Color Health and All of Us Research Program, National Institutes of Health); PubMed 33008098 (cited by 6 submitters); PubMed 33471991 (cited by 5 submitters); PubMed 32658311 (cited by 3 submitters); PubMed 26333163 (cited by Ambry Genetics); PubMed 29641532 (cited by Ambry Genetics).